The following is an entry in ClinVar:

ClinVar aggregate classification (germline): Uncertain significance (1 of 4 stars; one submission).

Conditions:
Multiple endocrine neoplasia, type 2 (MEN2). Identifiers: Orphanet 653, MedGen C4048306, MONDO:0019003. Disease mechanism: gain of function.

Submission:

Labcorp Genetics (formerly Invitae), Labcorp
Classification: Uncertain significance for Multiple endocrine neoplasia, type 2. Last evaluated: 2022-12-08. Review status: criteria provided, single submitter. Criteria: Invitae Variant Classification Sherloc (09022015). Collection method: clinical testing. Allele origin: germline.
Comment: In summary, the available evidence is currently insufficient to determine the role of this variant in disease. Therefore, it has been classified as a Variant of Uncertain Significance. Algorithms developed to predict the effect of missense changes on protein structure and function (SIFT, PolyPhen-2, Align-GVGD) all suggest that this variant is likely to be tolerated. This variant has not been reported in the literature in individuals affected with RET-related conditions. This variant is not present in population databases (gnomAD no frequency). This sequence change replaces lysine, which is basic and polar, with threonine, which is neutral and polar, at codon 477 of the RET protein (p.Lys477Thr).

NM_020975.6(RET):c.1430A>C (p.Lys477Thr)

Gene: RET (ret proto-oncogene; plus strand). Cytogenetic location: 10q11.21.
Variant type: single nucleotide variant.
Coding change: c.1430A>C on transcript NM_020975.6 (MANE Select); coding-DNA position 1430, A replaced by C.
Protein change: p.Lys477Thr; replaces lysine 477 with threonine.
Molecular consequence: missense variant. On other transcripts: intron variant (15).
Genome position (GRCh38, 1-based): chr10:43,111,373, A>C. VCF-style: chr10-43111373-A-C. GRCh37 (hg19) VCF-style: chr10-43606821-A-C.
Other names: c.1430A>C, p.Lys477Thr (NM_000323.2, NM_001406743.1, NM_001406744.1 and 6 more transcripts); c.668A>C, p.Lys223Thr (NM_001355216.2); c.1301A>C, p.Lys434Thr (NM_001406761.1, NM_001406762.1, NM_001406764.1 and 1 more transcripts); c.905A>C, p.Lys302Thr (NM_001406774.1); c.704A>C, p.Lys235Thr (NM_001406775.1, NM_001406776.1, NM_001406777.1 and 1 more transcripts); c.440A>C, p.Lys147Thr (NM_001406784.1); c.626-726A>C (NM_001406782.1, NM_001406780.1, NM_001406779.1 and 3 more transcripts); c.497-726A>C (NM_001406786.1, NM_001406783.1); and 5 more; short protein forms K345T, K223T, K477T, K147T, K235T, K331T, K434T, K302T.
Identifiers: ClinVar variation 2819399 (VCV002819399.3), dbSNP rs2132772327, ClinGen allele CA376549564.
Genomic context (GRCh38, chr10:43,111,373, plus strand): 5'-CAGCCGAGGACACCTCGGGGATCCTGTTTGTGAATGACACCAAGGCCCTGCGGCGGCCCA[A>C]GTGTGCCGAACTTCACTACATGGTGGTGGCCACCGACCAGCAGACCTCTAGGCAGGCCCA-3'
Protein context (NP_066124.1, residues 467-487): VNDTKALRRP[Lys477Thr]CAELHYMVVA